The following is an entry in ClinVar:

ClinVar aggregate classification (germline): Likely benign. Review status: criteria provided, multiple submitters, no conflicts (2 of 4 stars). 2 submissions from 2 submitters: Likely benign (2). Last evaluated 2024-06-20.

Conditions:
Ataxia-telangiectasia syndrome (AT). Also called: AT, COMPLEMENTATION GROUP C; Ataxia-telangiectasia, complementation group D; ATAXIA-TELANGIECTASIA, COMPLEMENTATION GROUP A; ATAXIA-TELANGIECTASIA, FRESNO VARIANT; Ataxia-telangiectasia; Ataxia-telangiectasia, complementation group E. Identifiers: Orphanet 100, MedGen C0004135, MONDO:0008840, OMIM 208900.
Familial cancer of breast. Also called: hereditary breast carcinoma; BREAST CANCER, FAMILIAL; Hereditary breast cancer. Identifiers: Orphanet 227535, MedGen C0346153, MONDO:0016419, OMIM 114480. Disease mechanism: loss of function.

Submissions (2):

Myriad Genetics, Inc.
Classification: Likely benign for Familial cancer of breast. Last evaluated: 2024-06-20. Review status: criteria provided, single submitter. Criteria: Myriad Autosomal Dominant, Autosomal Recessive and X-Linked Classification Criteria (2023). Collection method: clinical testing. Allele origin: unknown.
Comment: This variant is considered likely benign. This variant is intronic and is not expected to impact mRNA splicing.

Labcorp Genetics (formerly Invitae), Labcorp
Classification: Likely benign for Ataxia-telangiectasia syndrome. Last evaluated: 2024-02-12. Review status: criteria provided, single submitter. Criteria: Invitae Variant Classification Sherloc (09022015). Collection method: clinical testing. Allele origin: germline.

NM_000051.4(ATM):c.8672-16G>A

Genes: ATM (ATM serine/threonine kinase; plus strand), C11orf65 (chromosome 11 open reading frame 65; minus strand). Cytogenetic location: 11q22.3.
Variant type: single nucleotide variant.
Coding change: c.8672-16G>A on transcript NM_000051.4 (MANE Select); 16 bases into the intron before coding-DNA position 8672, G replaced by A.
Molecular consequence: intron variant.
Genome position (GRCh38, 1-based): chr11:108,353,750, G>A. VCF-style: chr11-108353750-G-A. GRCh37 (hg19) VCF-style: chr11-108224477-G-A.
Other names: c.8672-16G>A (NM_001351834.2); c.640+32170C>T (NM_001330368.2); c.695-18458C>T (NM_001351110.2).
Identifiers: ClinVar variation 3253832 (VCV003253832.3), dbSNP rs2137283013.